The following is an entry in ClinVar:

NM_015450.3(POT1):c.1199T>C (p.Ile400Thr)

Gene: POT1 (protection of telomeres 1; minus strand). Cytogenetic location: 7q31.33.
Variant type: single nucleotide variant.
Coding change: c.1199T>C on transcript NM_015450.3 (MANE Select); coding-DNA position 1199, T replaced by C.
Protein change: p.Ile400Thr; replaces isoleucine 400 with threonine.
Molecular consequence: missense variant. On other transcripts: non-coding transcript variant (3).
Genome position (GRCh38, 1-based): chr7:124,841,143, A>G on the plus strand (T>C on the coding strand, the complement: POT1 is on the minus strand). VCF-style: chr7-124841143-A-G. GRCh37 (hg19) VCF-style: chr7-124481197-A-G.
Other names: c.806T>C, p.Ile269Thr (NM_001042594.2); short protein forms I400T, I269T.
Identifiers: ClinVar variation 582415 (VCV000582415.11), dbSNP rs1562980983, ClinGen allele CA369067651.

ClinVar aggregate classification (germline): Uncertain significance. Review status: criteria provided, multiple submitters, no conflicts (2 of 4 stars). 3 submissions from 3 submitters: Uncertain significance (3). Last evaluated 2025-05-04.

Conditions:
Hereditary cancer-predisposing syndrome. Also called: Tumor predisposition; Neoplastic Syndromes, Hereditary; Hereditary neoplastic syndrome; Hereditary Cancer Syndrome. Identifiers: Orphanet 140162, MedGen C0027672, MeSH D009386, MONDO:0015356.
Tumor predisposition syndrome 3 (TPDS3). Also called: Melanoma, cutaneous malignant, susceptibility to, 10; LONG TELOMERE SYNDROME, POT1-RELATED; POT1 Tumor Predisposition; Glioma susceptibility 9. Identifiers: Orphanet 618, MedGen C4014476, MONDO:0014368, OMIM 615848.

Allele frequency attached by ClinVar (database versions not stated): gnomAD exomes below 0.00001.
gnomAD v4.1: 2 of 1,612,740 alleles (0.00012%); highest among the groups gnomAD compares: African/African-American, 0.0013%; no homozygotes.

Submissions (3):

Labcorp Genetics (formerly Invitae), Labcorp
Classification: Uncertain significance for Tumor predisposition syndrome 3. Last evaluated: 2025-05-04. Review status: criteria provided, single submitter. Criteria: Invitae Variant Classification Sherloc (09022015). Collection method: clinical testing. Allele origin: germline.
Comment: This sequence change replaces isoleucine, which is neutral and non-polar, with threonine, which is neutral and polar, at codon 400 of the POT1 protein (p.Ile400Thr). This variant is not present in population databases (gnomAD no frequency). This variant has not been reported in the literature in individuals affected with POT1-related conditions. ClinVar contains an entry for this variant (Variation ID: 582415). Invitae Evidence Modeling of protein sequence and biophysical properties (such as structural, functional, and spatial information, amino acid conservation, physicochemical variation, residue mobility, and thermodynamic stability) indicates that this missense variant is not expected to disrupt POT1 protein function with a negative predictive value of 80%. In summary, the available evidence is currently insufficient to determine the role of this variant in disease. Therefore, it has been classified as a Variant of Uncertain Significance.

GeneDx
Classification: Uncertain significance. Last evaluated: 2023-01-30. Review status: criteria provided, single submitter. Criteria: GeneDx Variant Classification Process June 2021. Collection method: clinical testing. Allele origin: germline. Affected: yes.
Comment: Not observed at significant frequency in large population cohorts (gnomAD); In silico analysis supports that this missense variant does not alter protein structure/function; Has not been previously published as pathogenic or benign to our knowledge; This variant is associated with the following publications: (PMID: 28393830, 35695212)

Ambry Genetics
Classification: Uncertain significance for Hereditary cancer-predisposing syndrome. Last evaluated: 2021-12-14. Review status: criteria provided, single submitter. Criteria: Ambry Variant Classification Scheme 2023. Collection method: clinical testing. Allele origin: germline.
Comment: The p.I400T variant (also known as c.1199T>C), located in coding exon 10 of the POT1 gene, results from a T to C substitution at nucleotide position 1199. The isoleucine at codon 400 is replaced by threonine, an amino acid with similar properties. This amino acid position is well conserved in available vertebrate species. In addition, the in silico prediction for this alteration is inconclusive. Since supporting evidence is limited at this time, the clinical significance of this alteration remains unclear.